The following is an entry in ClinVar:

ClinVar aggregate classification (germline): Uncertain significance. Review status: criteria provided, multiple submitters, no conflicts (2 of 4 stars). 2 submissions from 2 submitters: Uncertain significance (2). Last evaluated 2022-03-22.

Conditions:
Developmental and epileptic encephalopathy, 12 (DEE12). Identifiers: MedGen C3150988, MONDO:0013389, OMIM 613722.

Allele frequency attached by ClinVar (database versions not stated): ExAC below 0.00001; gnomAD exomes below 0.00001; gnomAD 0.00001.
gnomAD v4.1: 58 of 1,611,372 alleles (0.0036%); highest among the groups gnomAD compares: East Asian, 0.018%; no homozygotes.

Submissions (2):

Labcorp Genetics (formerly Invitae), Labcorp
Classification: Uncertain significance for Developmental and epileptic encephalopathy, 12. Last evaluated: 2022-03-22. Review status: criteria provided, single submitter. Criteria: Invitae Variant Classification Sherloc (09022015). Collection method: clinical testing. Allele origin: germline.
Comment: ClinVar contains an entry for this variant (Variation ID: 578131). In summary, the available evidence is currently insufficient to determine the role of this variant in disease. Therefore, it has been classified as a Variant of Uncertain Significance. Algorithms developed to predict the effect of missense changes on protein structure and function (SIFT, PolyPhen-2, Align-GVGD) all suggest that this variant is likely to be tolerated. This variant has not been reported in the literature in individuals affected with PLCB1-related conditions. This variant is present in population databases (rs764250569, gnomAD 0.006%). This sequence change replaces aspartic acid, which is acidic and polar, with asparagine, which is neutral and polar, at codon 513 of the PLCB1 protein (p.Asp513Asn).

Baylor Genetics
Classification: Uncertain significance for Developmental and epileptic encephalopathy, 12. Last evaluated: 2019-07-27. Review status: criteria provided, single submitter. Criteria: ACMG Guidelines, 2015. Collection method: clinical testing. Allele origin: unknown. Affected: yes.
Comment: This variant was determined to be of uncertain significance according to ACMG Guidelines, 2015 [PMID:25741868].

NM_015192.4(PLCB1):c.1537G>A (p.Asp513Asn)

Gene: PLCB1 (phospholipase C beta 1; plus strand). Cytogenetic location: 20p12.3.
Variant type: single nucleotide variant.
Coding change: c.1537G>A on transcript NM_015192.4 (MANE Select); coding-DNA position 1537, G replaced by A.
Protein change: p.Asp513Asn; replaces aspartic acid 513 with asparagine.
Molecular consequence: missense variant.
Genome position (GRCh38, 1-based): chr20:8,722,377, G>A. VCF-style: chr20-8722377-G-A. GRCh37 (hg19) VCF-style: chr20-8703024-G-A.
Other names: c.1537G>A, p.Asp513Asn (NM_182734.3); short protein forms D513N.
Identifiers: ClinVar variation 578131 (VCV000578131.10), dbSNP rs764250569, ClinGen allele CA9759984.
Genomic context (GRCh38, chr20:8,722,377, plus strand): 5'-AATGGTGACATGATGATCTGTTATTAAAATTTGACAGGAGAAGCTGATACGGAAAGTGAC[G>A]ACGACGATGATGATGATGACTGTAAAAAATCTTCAATGGATGAGGTGGGTACTTAGGGCT-3'
Protein context (NP_056007.1, residues 503-523): GAGEADTESD[Asp513Asn]DDDDDDCKKS